The following is an entry in ClinVar:

ClinVar aggregate classification (germline): Uncertain significance (1 of 4 stars; one submission).

Conditions:
Acrocallosal syndrome (ACLS). Also called: HALLUX DUPLICATION, POSTAXIAL POLYDACTYLY, AND ABSENCE OF CORPUS CALLOSUM; Schinzel syndrome 1; Absence of corpus callosum with unusual facial appearance, mental deficiency, duplication of the halluces and polydactyly. Identifiers: Orphanet 36, MedGen C0796147, MONDO:0008708, OMIM 200990.

Allele frequency attached by ClinVar (database versions not stated): TOPMed 0.00002; gnomAD 0.00003.
gnomAD v4.1: 25 of 1,492,156 alleles (0.0017%); highest among the groups gnomAD compares: Non-Finnish European, 0.002%; no homozygotes.

Submission:

Labcorp Genetics (formerly Invitae), Labcorp
Classification: Uncertain significance for Acrocallosal syndrome. Last evaluated: 2024-02-28. Review status: criteria provided, single submitter. Criteria: Invitae Variant Classification Sherloc (09022015). Collection method: clinical testing. Allele origin: germline.
Comment: This sequence change replaces proline, which is neutral and non-polar, with glutamine, which is neutral and polar, at codon 375 of the KIF7 protein (p.Pro375Gln). This variant is present in population databases (no rsID available, gnomAD 0.002%). This variant has not been reported in the literature in individuals affected with KIF7-related conditions. ClinVar contains an entry for this variant (Variation ID: 1047781). Advanced modeling of protein sequence and biophysical properties (such as structural, functional, and spatial information, amino acid conservation, physicochemical variation, residue mobility, and thermodynamic stability) performed at Invitae indicates that this missense variant is not expected to disrupt KIF7 protein function with a negative predictive value of 80%. In summary, the available evidence is currently insufficient to determine the role of this variant in disease. Therefore, it has been classified as a Variant of Uncertain Significance.

NM_198525.3(KIF7):c.1124C>A (p.Pro375Gln)

Gene: KIF7 (kinesin family member 7; minus strand). Cytogenetic location: 15q26.1.
Variant type: single nucleotide variant.
Coding change: c.1124C>A on transcript NM_198525.3 (MANE Select); coding-DNA position 1124, C replaced by A.
Protein change: p.Pro375Gln; replaces proline 375 with glutamine.
Molecular consequence: missense variant.
Genome position (GRCh38, 1-based): chr15:89,648,574, G>T on the plus strand (C>A on the coding strand, the complement: KIF7 is on the minus strand). VCF-style: chr15-89648574-G-T. GRCh37 (hg19) VCF-style: chr15-90191805-G-T.
Other names: short protein forms P375Q.
Identifiers: ClinVar variation 1047781 (VCV001047781.5), dbSNP rs557460012, ClinGen allele CA393772364.